The following is an entry in ClinVar:

NM_015335.5(MED13L):c.6606G>C (p.Leu2202Phe)

Gene: MED13L (mediator complex subunit 13L; minus strand). Cytogenetic location: 12q24.21.
Variant type: single nucleotide variant.
Coding change: c.6606G>C on transcript NM_015335.5 (MANE Select); coding-DNA position 6606, G replaced by C.
Protein change: p.Leu2202Phe; replaces leucine 2202 with phenylalanine.
Molecular consequence: missense variant.
Genome position (GRCh38, 1-based): chr12:115,961,293, C>G on the plus strand (G>C on the coding strand, the complement: MED13L is on the minus strand). VCF-style: chr12-115961293-C-G. GRCh37 (hg19) VCF-style: chr12-116399098-C-G.
Other names: short protein forms L2202F.
Identifiers: ClinVar variation 4282134 (VCV004282134.1).

ClinVar aggregate classification (germline): Uncertain significance (1 of 4 stars; one submission).

Submission:

GeneDx
Classification: Uncertain significance. Last evaluated: 2025-04-11. Review status: criteria provided, single submitter. Criteria: GeneDx Variant Classification Process June 2021. Collection method: clinical testing. Allele origin: germline. Affected: yes.
Comment: Not observed at significant frequency in large population cohorts (gnomAD); In silico analysis supports that this missense variant has a deleterious effect on protein structure/function; Has not been previously published as pathogenic or benign to our knowledge